The following is an entry in ClinVar:

NM_004519.4(KCNQ3):c.2183G>C (p.Gly728Ala)

Gene: KCNQ3 (potassium voltage-gated channel subfamily Q member 3; minus strand). Cytogenetic location: 8q24.22.
Variant type: single nucleotide variant.
Coding change: c.2183G>C on transcript NM_004519.4 (MANE Select); coding-DNA position 2183, G replaced by C.
Protein change: p.Gly728Ala; replaces glycine 728 with alanine.
Molecular consequence: missense variant.
Genome position (GRCh38, 1-based): chr8:132,129,698, C>G on the plus strand (G>C on the coding strand, the complement: KCNQ3 is on the minus strand). VCF-style: chr8-132129698-C-G. GRCh37 (hg19) VCF-style: chr8-133141945-C-G.
Other names: c.1823G>C, p.Gly608Ala (NM_001204824.2); short protein forms G608A, G728A.
Identifiers: ClinVar variation 860624 (VCV000860624.10), dbSNP rs1824797413, ClinGen allele CA372216590.

ClinVar aggregate classification (germline): Uncertain significance. Review status: criteria provided, multiple submitters, no conflicts (2 of 4 stars). 2 submissions from 2 submitters: Uncertain significance (2). Last evaluated 2019-11-26.

Conditions:
Benign neonatal seizures. Also called: Convulsions benign familial neonatal dominant form; Autosomal dominant form of benign neonatal seizures; Benign familial neonatal seizures; Benign neonatal familial convulsions; Benign familial neonatal epilepsy. Identifiers: Orphanet 1949, MedGen C0220669, MONDO:0016027.

Submissions (2):

Labcorp Genetics (formerly Invitae), Labcorp
Classification: Uncertain significance for Benign neonatal seizures. Last evaluated: 2019-11-26. Review status: criteria provided, single submitter. Criteria: Invitae Variant Classification Sherloc (09022015). Collection method: clinical testing. Allele origin: germline.
Comment: In summary, the available evidence is currently insufficient to determine the role of this variant in disease. Therefore, it has been classified as a Variant of Uncertain Significance. Algorithms developed to predict the effect of missense changes on protein structure and function output the following: SIFT: "Tolerated"; PolyPhen-2: "Benign"; Align-GVGD: "Class C0". The alanine amino acid residue is found in multiple mammalian species, suggesting that this missense change does not adversely affect protein function. These predictions have not been confirmed by published functional studies and their clinical significance is uncertain. This variant has not been reported in the literature in individuals with KCNQ3-related conditions. This variant is not present in population databases (ExAC no frequency). This sequence change replaces glycine with alanine at codon 728 of the KCNQ3 protein (p.Gly728Ala). The glycine residue is moderately conserved and there is a small physicochemical difference between glycine and alanine.

Blueprint Genetics
Classification: Uncertain significance. Last evaluated: 2018-09-12. Review status: criteria provided, single submitter. Criteria: ACMG Guidelines, 2015. Collection method: clinical testing. Allele origin: germline.